The following is an entry in ClinVar:

ClinVar aggregate classification (germline): Uncertain significance (1 of 4 stars; one submission).

Conditions:
Brugada syndrome 4 (BRGDA4). Identifiers: Orphanet 130, MedGen C2678477, MONDO:0012743, OMIM 611876.

gnomAD v4.1: 13 of 1,613,780 alleles (0.00081%); highest among the groups gnomAD compares: Non-Finnish European, 0.0011%; no homozygotes.

Submission:

Labcorp Genetics (formerly Invitae), Labcorp
Classification: Uncertain significance for Brugada syndrome 4. Last evaluated: 2020-07-31. Review status: criteria provided, single submitter. Criteria: Invitae Variant Classification Sherloc (09022015). Collection method: clinical testing. Allele origin: germline.
Comment: In summary, the available evidence is currently insufficient to determine the role of this variant in disease. Therefore, it has been classified as a Variant of Uncertain Significance. Algorithms developed to predict the effect of missense changes on protein structure and function are either unavailable or do not agree on the potential impact of this missense change (SIFT: "Deleterious"; PolyPhen-2: "Possibly Damaging"; Align-GVGD: "Class C0"). This variant has not been reported in the literature in individuals with CACNB2-related conditions. This variant is not present in population databases (ExAC no frequency). This sequence change replaces alanine with proline at codon 328 of the CACNB2 protein (p.Ala328Pro). The alanine residue is moderately conserved and there is a small physicochemical difference between alanine and proline.

NM_201596.3(CACNB2):c.1144G>C (p.Ala382Pro)

Gene: CACNB2 (calcium voltage-gated channel auxiliary subunit beta 2; plus strand). Cytogenetic location: 10p12.31.
Variant type: single nucleotide variant.
Coding change: c.1144G>C on transcript NM_201596.3 (MANE Select); coding-DNA position 1144, G replaced by C.
Protein change: p.Ala382Pro; replaces alanine 382 with proline.
Molecular consequence: missense variant.
Genome position (GRCh38, 1-based): chr10:18,534,165, G>C. VCF-style: chr10-18534165-G-C. GRCh37 (hg19) VCF-style: chr10-18823094-G-C.
Other names: c.979G>C, p.Ala327Pro (NM_000724.4); c.946G>C, p.Ala316Pro (NM_001167945.2); c.865G>C, p.Ala289Pro (NM_001330060.2); c.1000G>C, p.Ala334Pro (NM_201570.3); c.1060G>C, p.Ala354Pro (NM_201571.4); c.988G>C, p.Ala330Pro (NM_201572.4); c.982G>C, p.Ala328Pro (NM_201590.3); c.1030G>C, p.Ala344Pro (NM_201593.3); and 1 more; short protein forms A316P, A344P, A328P, A330P, A327P, A382P, A289P, A334P.
Identifiers: ClinVar variation 1042194 (VCV001042194.8), dbSNP rs1318411856, ClinGen allele CA376067931.
Genomic context (GRCh38, chr10:18,534,165, plus strand): 5'-TTTGAACTTGCAAGAACATTGCAGTTGGTGGTCCTTGACGCGGATACAATTAATCATCCA[G>C]CTCAACTCAGTAAAACCTCCTTGGCCCCTATTATAGTATATGTAAAGATTTCTTCTCCTA-3'
Protein context (NP_963890.2, residues 372-392): VLDADTINHP[Ala382Pro]QLSKTSLAPI